The following is an entry in ClinVar:

ClinVar aggregate classification (germline): Uncertain significance (1 of 4 stars; one submission).

Conditions:
Familial cold autoinflammatory syndrome 3 (FCAS3). Also called: FAMILIAL ATYPICAL COLD URTICARIA; ANTIBODY DEFICIENCY AND IMMUNE DYSREGULATION, PLCG2-ASSOCIATED. Identifiers: Orphanet 300359, MedGen C3280914, MONDO:0013766, OMIM 614468.

Submission:

Labcorp Genetics (formerly Invitae), Labcorp
Classification: Uncertain significance for Familial cold autoinflammatory syndrome 3. Last evaluated: 2023-12-11. Review status: criteria provided, single submitter. Criteria: Invitae Variant Classification Sherloc (09022015). Collection method: clinical testing. Allele origin: germline.
Comment: This variant is a gross deletion of the genomic region encompassing exon(s) 2 of the PLCG2 gene, which includes the initiator codon. This deletion extends beyond the assayed region for this gene and therefore may encompass additional genes. It is expected to result in an absent or disrupted protein product. However, the current clinical and genetic evidence is not sufficient to establish whether loss-of-function variants in PLCG2 cause disease. This variant has not been reported in the literature in individuals affected with PLCG2-related conditions. In summary, the available evidence is currently insufficient to determine the role of this variant in disease. Therefore, it has been classified as a Variant of Uncertain Significance.

NC_000016.9:g.(?_81819595)_(81819807_?)del

Gene: PLCG2 (phospholipase C gamma 2; plus strand). Cytogenetic location: 16q23.3.
Variant type: Deletion.
Identifiers: ClinVar variation 2424510 (VCV002424510.4).